The following is an entry in ClinVar:

ClinVar aggregate classification (germline): Benign. Review status: criteria provided, multiple submitters, no conflicts (2 of 4 stars). 3 submissions from 3 submitters: Benign (2). 1 of the submissions does not count toward it. Last evaluated 2018-07-17.

Conditions:
PLEKHA7-related disorder. Also called: PLEKHA7-related condition.

Allele frequency attached by ClinVar (database versions not stated): ESP Exome Variant Server 0.00038; TOPMed 0.00215; gnomAD 0.00552 and 0.00588; ExAC 0.00715; gnomAD exomes 0.00851; 1000 Genomes Project 30x 0.00906; 1000 Genomes Project 0.01058.
gnomAD v4.1: 5,639 of 1,614,010 alleles (0.35%); highest among the groups gnomAD compares: East Asian, 4.4%; 134 homozygotes.

Submissions (3):

Labcorp Genetics (formerly Invitae), Labcorp
Classification: Benign. Last evaluated: 2018-07-17. Review status: criteria provided, single submitter. Criteria: Invitae Variant Classification Sherloc (09022015). Collection method: clinical testing. Allele origin: germline.

Breakthrough Genomics
Classification: Benign. Review status: criteria provided, single submitter. Criteria: ACMG Guidelines, 2015. Collection method: not provided. Allele origin: germline. Inheritance: Unknown mechanism. Affected: yes.

PreventionGenetics, part of Exact Sciences
Classification: Benign for PLEKHA7-related condition. Last evaluated: 2019-02-22. Review status: no assertion criteria provided. Collection method: clinical testing. Allele origin: germline. Not counted in ClinVar's aggregate classification.
Comment: This variant is classified as benign based on ACMG/AMP sequence variant interpretation guidelines (Richards et al. 2015 PMID: 25741868, with internal and published modifications).

NM_001329630.2(PLEKHA7):c.2934+7G>A

Gene: PLEKHA7 (pleckstrin homology domain containing A7; minus strand). Cytogenetic location: 11p15.2.
Variant type: single nucleotide variant.
Coding change: c.2934+7G>A on transcript NM_001329630.2 (MANE Select); 7 bases into the intron after coding-DNA position 2934, G replaced by A.
Molecular consequence: intron variant.
Genome position (GRCh38, 1-based): chr11:16,791,004, C>T on the plus strand (G>A on the coding strand, the complement: PLEKHA7 is on the minus strand). VCF-style: chr11-16791004-C-T. GRCh37 (hg19) VCF-style: chr11-16812551-C-T.
Other names: c.2934+7G>A (NM_175058.5); c.2937+7G>A (NM_001329631.2).
Identifiers: ClinVar variation 773808 (VCV000773808.6), dbSNP rs116885602, ClinGen allele CA5898942.